The following is an entry in ClinVar:

NM_000051.4(ATM):c.2040C>T (p.Phe680=)

Gene: ATM (ATM serine/threonine kinase; plus strand). Cytogenetic location: 11q22.3.
Variant type: single nucleotide variant.
Coding change: c.2040C>T on transcript NM_000051.4 (MANE Select); coding-DNA position 2040, C replaced by T.
Protein change: p.Phe680=; no amino-acid change (phenylalanine 680 retained).
Molecular consequence: synonymous variant.
Genome position (GRCh38, 1-based): chr11:108,253,955, C>T. VCF-style: chr11-108253955-C-T. GRCh37 (hg19) VCF-style: chr11-108124682-C-T.
Other names: p.F680F:TTC>TTT; c.2040C>T, p.Phe680= (NM_001351834.2).
Identifiers: ClinVar variation 136436 (VCV000136436.27), dbSNP rs587780855, ClinGen allele CA289541.

ClinVar aggregate classification (germline): Benign/Likely benign. Review status: criteria provided, multiple submitters, no conflicts (2 of 4 stars). 11 submissions from 11 submitters: Benign (2); Likely benign (9). Last evaluated 2026-01-06.

Conditions:
Hereditary cancer-predisposing syndrome. Also called: Tumor predisposition; Hereditary neoplastic syndrome; Neoplastic Syndromes, Hereditary; Hereditary Cancer Syndrome. Identifiers: Orphanet 140162, MedGen C0027672, MeSH D009386, MONDO:0015356.
Familial cancer of breast. Also called: Hereditary breast cancer; BREAST CANCER, FAMILIAL; hereditary breast carcinoma. Identifiers: Orphanet 227535, MedGen C0346153, MONDO:0016419, OMIM 114480. Disease mechanism: loss of function.
Ataxia-telangiectasia syndrome (AT). Also called: Ataxia telangiectasia (A-T); Cerebello-oculocutaneous telangiectasia; Immunodeficiency with ataxia telangiectasia; Ataxia-telangiectasia, complementation group D; AT, COMPLEMENTATION GROUP C; ATAXIA-TELANGIECTASIA, COMPLEMENTATION GROUP A. Identifiers: Orphanet 100, MedGen C0004135, MONDO:0008840, OMIM 208900.

Allele frequency attached by ClinVar (database versions not stated): gnomAD 0.00003 and 0.00004; TOPMed 0.00003; gnomAD exomes 0.00004; ExAC 0.00010.
gnomAD v4.1: 66 of 1,613,956 alleles (0.0041%); highest among the groups gnomAD compares: Non-Finnish European, 0.0052%; no homozygotes.

Submissions (11):

Labcorp Genetics (formerly Invitae), Labcorp
Classification: Likely benign for Ataxia-telangiectasia syndrome. Last evaluated: 2026-01-06. Review status: criteria provided, single submitter. Criteria: Invitae Variant Classification Sherloc (09022015). Collection method: clinical testing. Allele origin: germline.

Center for Genomic Medicine, Rigshospitalet, Copenhagen University Hospital
Classification: Likely benign. Last evaluated: 2025-03-04. Review status: criteria provided, single submitter. Criteria: ACMG Guidelines, 2015. Collection method: clinical testing. Allele origin: germline.

Blueprint Genetics
Classification: Likely benign. Last evaluated: 2024-08-27. Review status: criteria provided, single submitter. Criteria: ACMG Guidelines, 2015. Collection method: clinical testing. Allele origin: germline.

Myriad Genetics, Inc.
Classification: Benign for Familial cancer of breast. Last evaluated: 2024-05-06. Review status: criteria provided, single submitter. Criteria: Myriad Autosomal Dominant, Autosomal Recessive and X-Linked Classification Criteria (2023). Collection method: clinical testing. Allele origin: unknown.
Comment: This variant is considered benign. This variant is a silent/synonymous amino acid change and it is not expected to impact splicing.

Quest Diagnostics Nichols Institute San Juan Capistrano
Classification: Likely benign. Last evaluated: 2023-10-24. Review status: criteria provided, single submitter. Criteria: Quest Diagnostics criteria. Collection method: clinical testing. Allele origin: unknown.

Sema4
Classification: Likely benign for Hereditary cancer-predisposing syndrome. Last evaluated: 2021-02-12. Review status: criteria provided, single submitter. Criteria: Sema4 Curation Guidelines. Collection method: curation. Allele origin: germline.

Women's Health and Genetics/Laboratory Corporation of America, LabCorp
Classification: Likely benign. Last evaluated: 2020-01-31. Review status: criteria provided, single submitter. Criteria: LabCorp Variant Classification Summary - May 2015. Collection method: clinical testing. Allele origin: germline.

Genetic Services Laboratory, University of Chicago
Classification: Likely benign. Last evaluated: 2019-01-30. Review status: criteria provided, single submitter. Criteria: ACMG Guidelines, 2015. Collection method: clinical testing. Allele origin: germline. Affected: no.

Color Diagnostics, LLC DBA Color Health
Classification: Likely benign for Hereditary cancer-predisposing syndrome. Last evaluated: 2016-12-01. Review status: criteria provided, single submitter. Criteria: ACMG Guidelines, 2015. Collection method: clinical testing. Allele origin: germline.

Ambry Genetics
Classification: Likely benign for Hereditary cancer-predisposing syndrome. Last evaluated: 2014-08-19. Review status: criteria provided, single submitter. Criteria: Ambry Variant Classification Scheme 2023. Collection method: clinical testing. Allele origin: germline.

GeneDx
Classification: Benign. Last evaluated: 2014-05-12. Review status: criteria provided, single submitter. Criteria: GeneDx Variant Classification (06012015). Collection method: clinical testing. Allele origin: germline. Affected: yes.
Comment: This variant is considered likely benign or benign based on one or more of the following criteria: it is a conservative change, it occurs at a poorly conserved position in the protein, it is predicted to be benign by multiple in silico algorithms, and/or has population frequency not consistent with disease.

Literature cited by the submitters: PubMed 31214711 (cited by Quest Diagnostics Nichols Institute San Juan Capistrano); PubMed 30287823 (cited by Quest Diagnostics Nichols Institute San Juan Capistrano and Women's Health and Genetics/Laboratory Corporation of America, LabCorp).